The following is an entry in ClinVar:

NM_001276345.2(TNNT2):c.163+1G>T

Gene: TNNT2 (troponin T2, cardiac type; minus strand). Cytogenetic location: 1q32.1.
Variant type: single nucleotide variant.
Coding change: c.163+1G>T on transcript NM_001276345.2 (MANE Select); the canonical splice donor site of the intron after coding-DNA position 163, G replaced by T.
Molecular consequence: splice donor variant.
Genome position (GRCh38, 1-based): chr1:201,368,161, C>A on the plus strand (G>T on the coding strand, the complement: TNNT2 is on the minus strand). VCF-style: chr1-201368161-C-A. GRCh37 (hg19) VCF-style: chr1-201337289-C-A.
Other names: c.133+1G>T (NM_001406727.1, NM_001406724.1, NM_001406725.1 and 5 more transcripts); c.118+1G>T (NM_001001432.3, NM_001406728.1); c.163+1G>T (NM_001276346.2, NM_000364.4, NM_001406723.1).
Identifiers: ClinVar variation 691648 (VCV000691648.10), dbSNP rs113051005, ClinGen allele CA35427748.

ClinVar aggregate classification (germline): Conflicting classifications of pathogenicity. Review status: criteria provided, conflicting classifications (1 of 4 stars). 4 submissions from 4 submitters: Likely pathogenic (1); Uncertain significance (3). Last evaluated 2025-07-22.

Conditions:
Cardiomyopathy (CMYO). Also called: Cardiomyopathies. Identifiers: Orphanet 167848, MedGen C0878544, MONDO:0004994, HP:0001638. Inheritance: Various modes of inheritance.
Cardiovascular phenotype. Identifiers: MedGen CN230736.
Dilated cardiomyopathy 1D. Identifiers: Orphanet 154, Orphanet 54260, MedGen C1832243, MONDO:0011095, OMIM 601494.
Cardiomyopathy, familial restrictive, 3. Identifiers: Orphanet 75249, MedGen C2676271, MONDO:0012900, OMIM 612422.
Hypertrophic cardiomyopathy 2. Also called: TNNT2-Related Familial Hypertrophic Cardiomyopathy. Identifiers: MedGen C1861864, MONDO:0007266, OMIM 115195.

Allele frequency attached by ClinVar (database versions not stated): gnomAD 0.00001; TOPMed 0.00001.

Submissions (4):

Ambry Genetics
Classification: Uncertain significance for Cardiovascular phenotype. Last evaluated: 2025-07-22. Review status: criteria provided, single submitter. Criteria: Ambry Variant Classification Scheme 2023. Collection method: clinical testing. Allele origin: germline.
Comment: The c.133+1G>T intronic variant results from a G to T substitution one nucleotide after coding exon 4 of the TNNT2 gene. This nucleotide position is highly conserved in available vertebrate species. In silico splice site analysis predicts that this alteration will weaken the native splice donor site and will result in the creation or strengthening of a novel splice donor site. Alterations that disrupt the canonical splice site are expected to cause aberrant splicing, resulting in an abnormal protein or a transcript that is subject to nonsense-mediated mRNA decay. However, loss of function of TNNT2 has not been established as a mechanism of disease. Based on the available evidence, the clinical significance of this variant remains unclear.

All of Us Research Program, National Institutes of Health
Classification: Uncertain significance for Cardiomyopathy. Last evaluated: 2023-03-04. Review status: criteria provided, single submitter. Criteria: ACMG Guidelines, 2015. Collection method: clinical testing. Allele origin: germline. Inheritance: Autosomal dominant inheritance. Observed: 1 variant allele, 1 heterozygote.
Comment: Haploinsufficiency has not been demonstrated as causing disease - VUS unless previously reported in patients LPath

This study involves interpretation of variants in research participants for the purpose of population health screening. Participant phenotype was not available at the time of variant classification. Additional details can be found in publication PMID: 35346344, PMCID: PMC8962531

Labcorp Genetics (formerly Invitae), Labcorp
Classification: Uncertain significance for Cardiomyopathy, familial restrictive, 3; Hypertrophic cardiomyopathy 2; Dilated cardiomyopathy 1D. Last evaluated: 2022-04-08. Review status: criteria provided, single submitter. Criteria: Invitae Variant Classification Sherloc (09022015). Collection method: clinical testing. Allele origin: germline.
Comment: In summary, the available evidence is currently insufficient to determine the role of this variant in disease. Therefore, it has been classified as a Variant of Uncertain Significance. This sequence change affects a donor splice site in intron 5 of the TNNT2 gene. It is expected to disrupt RNA splicing. Variants that disrupt the donor or acceptor splice site typically lead to a loss of protein function (PMID: 16199547), however the current clinical and genetic evidence is not sufficient to establish whether loss-of-function variants in TNNT2 cause disease. This variant is not present in population databases (gnomAD no frequency). This variant has not been reported in the literature in individuals affected with TNNT2-related conditions. ClinVar contains an entry for this variant (Variation ID: 691648). Algorithms developed to predict the effect of sequence changes on RNA splicing suggest that this variant may disrupt the consensus splice site.

Center for Advanced Laboratory Medicine, UC San Diego Health, University of California San Diego
Classification: Likely pathogenic for Cardiomyopathy. Last evaluated: 2018-05-23. Review status: criteria provided, single submitter. Criteria: ACMG Guidelines, 2015. Collection method: clinical testing. Allele origin: germline. Affected: yes. Observed: 1 variant allele.

Literature cited by the submitters: PubMed 16199547 (cited by Labcorp Genetics (formerly Invitae), Labcorp).